The following is an entry in ClinVar:

NM_016169.4(SUFU):c.1094A>C (p.Gln365Pro)

Gene: SUFU (SUFU negative regulator of hedgehog signaling; plus strand). Cytogenetic location: 10q24.32.
Variant type: single nucleotide variant.
Coding change: c.1094A>C on transcript NM_016169.4 (MANE Select); coding-DNA position 1094, A replaced by C.
Protein change: p.Gln365Pro; replaces glutamine 365 with proline.
Molecular consequence: missense variant.
Genome position (GRCh38, 1-based): chr10:102,615,339, A>C. VCF-style: chr10-102615339-A-C. GRCh37 (hg19) VCF-style: chr10-104375096-A-C.
Other names: c.1094A>C, p.Gln365Pro (NM_001178133.2); short protein forms Q365P.
Identifiers: ClinVar variation 2111731 (VCV002111731.4), dbSNP rs2492779364, ClinGen allele CA377914134.

ClinVar aggregate classification (germline): Uncertain significance (1 of 4 stars; one submission).

Conditions:
Gorlin syndrome. Also called: Nevoid Basal Cell Carcinoma Syndrome; Basal cell nevus syndrome. Identifiers: Orphanet 377, MedGen C0004779, MONDO:0007187.
Medulloblastoma (MDB). Also called: Medulloblastoma, somatic; MEDULLOBLASTOMA PREDISPOSITION SYNDROME. Identifiers: Orphanet 616, MedGen C0025149, MeSH D008527, MONDO:0007959, OMIM 155255, HP:0002885.

Submission:

Labcorp Genetics (formerly Invitae), Labcorp
Classification: Uncertain significance for Gorlin syndrome; Medulloblastoma. Last evaluated: 2022-03-14. Review status: criteria provided, single submitter. Criteria: Invitae Variant Classification Sherloc (09022015). Collection method: clinical testing. Allele origin: germline.
Comment: In summary, the available evidence is currently insufficient to determine the role of this variant in disease. Therefore, it has been classified as a Variant of Uncertain Significance. Algorithms developed to predict the effect of missense changes on protein structure and function (SIFT, PolyPhen-2, Align-GVGD) all suggest that this variant is likely to be tolerated. This variant has not been reported in the literature in individuals affected with SUFU-related conditions. This variant is not present in population databases (gnomAD no frequency). This sequence change replaces glutamine, which is neutral and polar, with proline, which is neutral and non-polar, at codon 365 of the SUFU protein (p.Gln365Pro).